The following is an entry in ClinVar:

ClinVar aggregate classification (germline): Uncertain significance (1 of 4 stars; one submission).

Conditions:
Schuurs-Hoeijmakers syndrome. Also called: PACS1-Related Neurodevelopmental Disorder. Identifiers: Orphanet 329224, MedGen C3554343, MONDO:0014006, OMIM 615009.

gnomAD v4.1: 1 of 1,614,174 alleles (0.000062%); highest among the groups gnomAD compares: Non-Finnish European, 0.000085%; no homozygotes.

Submission:

Labcorp Genetics (formerly Invitae), Labcorp
Classification: Uncertain significance for Schuurs-Hoeijmakers syndrome. Last evaluated: 2024-12-10. Review status: criteria provided, single submitter. Criteria: Invitae Variant Classification Sherloc (09022015). Collection method: clinical testing. Allele origin: germline.
Comment: This sequence change replaces serine, which is neutral and polar, with asparagine, which is neutral and polar, at codon 372 of the PACS1 protein (p.Ser372Asn). This variant is not present in population databases (gnomAD no frequency). This variant has not been reported in the literature in individuals affected with PACS1-related conditions. Invitae Evidence Modeling of protein sequence and biophysical properties (such as structural, functional, and spatial information, amino acid conservation, physicochemical variation, residue mobility, and thermodynamic stability) indicates that this missense variant is expected to disrupt PACS1 protein function with a positive predictive value of 80%. In summary, the available evidence is currently insufficient to determine the role of this variant in disease. Therefore, it has been classified as a Variant of Uncertain Significance.

NM_018026.4(PACS1):c.1115G>A (p.Ser372Asn)

Gene: PACS1 (phosphofurin acidic cluster sorting protein 1; plus strand). Cytogenetic location: 11q13.2.
Variant type: single nucleotide variant.
Coding change: c.1115G>A on transcript NM_018026.4 (MANE Select); coding-DNA position 1115, G replaced by A.
Protein change: p.Ser372Asn; replaces serine 372 with asparagine.
Molecular consequence: missense variant.
Genome position (GRCh38, 1-based): chr11:66,220,707, G>A. VCF-style: chr11-66220707-G-A. GRCh37 (hg19) VCF-style: chr11-65988178-G-A.
Other names: short protein forms S372N.
Identifiers: ClinVar variation 3668147 (VCV003668147.2).